The following is an entry in ClinVar:

ClinVar aggregate classification (germline): Benign/Likely benign. Review status: criteria provided, multiple submitters, no conflicts (2 of 4 stars). 4 submissions from 4 submitters: Benign (1); Likely benign (3). Last evaluated 2024-12-26.

Conditions:
Hereditary nonpolyposis colorectal neoplasms. Identifiers: MedGen C0009405, MeSH D003123.
Lynch syndrome 5 (LYNCH5). Also called: Hereditary non-polyposis colorectal cancer, type 5; Colorectal cancer, hereditary nonpolyposis, type 5. Identifiers: Orphanet 144, MedGen C1833477, MONDO:0013710, OMIM 614350. Disease mechanism: loss of function.
Hereditary cancer-predisposing syndrome. Also called: Hereditary Cancer Syndrome; Hereditary neoplastic syndrome; Neoplastic Syndromes, Hereditary; Tumor predisposition. Identifiers: Orphanet 140162, MedGen C0027672, MeSH D009386, MONDO:0015356.

Allele frequency attached by ClinVar (database versions not stated): TOPMed 0.00001.
gnomAD v4.1: 1 of 1,613,972 alleles (0.000062%); highest among the groups gnomAD compares: African/African-American, 0.0013%; no homozygotes.

Submissions (4):

Myriad Genetics, Inc.
Classification: Benign for Lynch syndrome 5. Last evaluated: 2024-12-26. Review status: criteria provided, single submitter. Criteria: Myriad Autosomal Dominant, Autosomal Recessive and X-Linked Classification Criteria (2023). Collection method: clinical testing. Allele origin: unknown.
Comment: This variant is considered benign. This variant is a silent/synonymous amino acid change and it is not expected to impact splicing.

Labcorp Genetics (formerly Invitae), Labcorp
Classification: Likely benign for Hereditary nonpolyposis colorectal neoplasms. Last evaluated: 2020-10-27. Review status: criteria provided, single submitter. Criteria: Invitae Variant Classification Sherloc (09022015). Collection method: clinical testing. Allele origin: germline.

Ambry Genetics
Classification: Likely benign for Hereditary cancer-predisposing syndrome. Last evaluated: 2019-05-14. Review status: criteria provided, single submitter. Criteria: Ambry Variant Classification Scheme 2023. Collection method: clinical testing. Allele origin: germline.

GeneDx
Classification: Likely benign. Last evaluated: 2016-09-02. Review status: criteria provided, single submitter. Criteria: GeneDx Variant Classification (06012015). Collection method: clinical testing. Allele origin: germline. Affected: yes.
Comment: This variant is considered likely benign or benign based on one or more of the following criteria: it is a conservative change, it occurs at a poorly conserved position in the protein, it is predicted to be benign by multiple in silico algorithms, and/or has population frequency not consistent with disease.

NM_000179.3(MSH6):c.1509C>A (p.Ser503=)

Gene: MSH6 (mutS homolog 6; plus strand). Cytogenetic location: 2p16.3.
Variant type: single nucleotide variant.
Coding change: c.1509C>A on transcript NM_000179.3 (MANE Select); coding-DNA position 1509, C replaced by A.
Protein change: p.Ser503=; no amino-acid change (serine 503 retained).
Molecular consequence: synonymous variant.
Genome position (GRCh38, 1-based): chr2:47,799,492, C>A. VCF-style: chr2-47799492-C-A. GRCh37 (hg19) VCF-style: chr2-48026631-C-A.
Other names: c.603C>A, p.Ser201= (NM_001281493.2, NM_001281494.2); c.1119C>A, p.Ser373= (NM_001281492.2).
Identifiers: ClinVar variation 389079 (VCV000389079.15), dbSNP rs545020313, ClinGen allele CA16604307.